The following is an entry in ClinVar:

ClinVar aggregate classification (germline): Conflicting classifications of pathogenicity. Review status: criteria provided, conflicting classifications (1 of 4 stars). 11 submissions from 11 submitters: Uncertain significance (7); Likely benign (2). 2 of the submissions do not count toward it. Last evaluated 2026-06-23.

Conditions:
Hereditary cancer-predisposing syndrome. Also called: Hereditary Cancer Syndrome; Tumor predisposition; Neoplastic Syndromes, Hereditary; Hereditary neoplastic syndrome. Identifiers: Orphanet 140162, MedGen C0027672, MeSH D009386, MONDO:0015356.
Hereditary breast ovarian cancer syndrome. Also called: Hereditary breast and ovarian cancer syndrome; Breast and ovarian cancer; Hereditary breast and ovarian cancer; BRCA1- and BRCA2-Associated Hereditary Breast and Ovarian Cancer; Hereditary breast and ovarian cancer syndrome (HBOC); Hereditary breast and/or ovarian cancer syndrome. Identifiers: Orphanet 145, MedGen C0677776, MeSH D061325, MONDO:0003582. Disease mechanism: loss of function.
Breast-ovarian cancer, familial, susceptibility to, 2 (BROVCA2). Also called: BRCA2 Hereditary Breast and Ovarian Cancer. Identifiers: Orphanet 145, MedGen C2675520, MONDO:0012933, OMIM 612555. Disease mechanism: loss of function.
Familial cancer of breast. Also called: hereditary breast carcinoma; BREAST CANCER, FAMILIAL; Hereditary breast cancer. Identifiers: Orphanet 227535, MedGen C0346153, MONDO:0016419, OMIM 114480. Disease mechanism: loss of function.

Allele frequency attached by ClinVar (database versions not stated): gnomAD 0.00001; TOPMed below 0.00001; ExAC 0.00001; gnomAD exomes below 0.00001.
gnomAD v4.1: 2 of 1,613,868 alleles (0.00012%); highest among the groups gnomAD compares: Non-Finnish European, 0.00017%; no homozygotes.

Submissions (11):

Myriad Genetics, Inc.
Classification: Likely benign for Breast-ovarian cancer, familial, susceptibility to, 2. Last evaluated: 2026-06-23. Review status: criteria provided, single submitter. Criteria: Myriad Autosomal Dominant, Autosomal Recessive and X-Linked Classification Criteria (2023). Collection method: clinical testing. Allele origin: unknown.
Comment: This variant is considered likely benign. This variant is strongly associated with less severe personal and family histories of cancer, typical for individuals without pathogenic variants in this gene [PMID: 25085752].

Labcorp Genetics (formerly Invitae), Labcorp
Classification: Uncertain significance for Hereditary breast ovarian cancer syndrome. Last evaluated: 2025-11-10. Review status: criteria provided, single submitter. Criteria: Invitae Variant Classification Sherloc (09022015). Collection method: clinical testing. Allele origin: germline.
Comment: This sequence change replaces phenylalanine, which is neutral and non-polar, with leucine, which is neutral and non-polar, at codon 2794 of the BRCA2 protein (p.Phe2794Leu). This variant is not present in population databases (gnomAD no frequency). This missense change has been observed in individual(s) with breast cancer (PMID: 32994724, 35402282). ClinVar contains an entry for this variant (Variation ID: 52570). Invitae Evidence Modeling incorporating data from in vitro experimental studies (PMID: 33609447) indicates that this missense variant is not expected to disrupt BRCA2 function with a negative predictive value of 95%. Experimental studies have shown that this missense change does not substantially affect BRCA2 function (PMID: 29884841). In summary, the available evidence is currently insufficient to determine the role of this variant in disease. Therefore, it has been classified as a Variant of Uncertain Significance.

All of Us Research Program, National Institutes of Health
Classification: Uncertain significance for Breast-ovarian cancer, familial, susceptibility to, 2. Last evaluated: 2023-11-20. Review status: criteria provided, single submitter. Criteria: ACMG Guidelines, 2015. Collection method: clinical testing. Allele origin: germline. Inheritance: Autosomal dominant inheritance. Observed: 1 variant allele, 1 heterozygote.
Comment: This missense variant replaces phenylalanine with leucine at codon 2794 of the BRCA2 protein. Computational prediction is inconclusive regarding the impact of this variant on protein structure and function (internally defined REVEL score threshold 0.5 < inconclusive < 0.7, PMID: 27666373). Functional studies have shown this variant does not impact homology-directed DNA repair (PMID: 29884841, 33609447, 35736817). This variant has been reported in two individual affected with breast cancer (PMID: 32994724, 35402282). This variant has not been identified in the general population by the Genome Aggregation Database (gnomAD). The available evidence is insufficient to determine the role of this variant in disease conclusively. Therefore, this variant is classified as a Variant of Uncertain Significance.

This study involves interpretation of variants in research participants for the purpose of population health screening. Participant phenotype was not available at the time of variant classification. Additional details can be found in publication PMID: 35346344, PMCID: PMC8962531

Color Diagnostics, LLC DBA Color Health
Classification: Uncertain significance for Hereditary cancer-predisposing syndrome. Last evaluated: 2023-11-01. Review status: criteria provided, single submitter. Criteria: ACMG Guidelines, 2015. Collection method: clinical testing. Allele origin: germline.
Comment: This missense variant replaces phenylalanine with leucine at codon 2794 of the BRCA2 protein. Computational prediction is inconclusive regarding the impact of this variant on protein structure and function (internally defined REVEL score threshold 0.5 < inconclusive < 0.7, PMID: 27666373). Functional studies have shown this variant does not impact homology-directed DNA repair (PMID: 29884841, 33609447, 35736817). This variant has been reported in two individual affected with breast cancer (PMID: 32994724, 35402282). This variant has not been identified in the general population by the Genome Aggregation Database (gnomAD). The available evidence is insufficient to determine the role of this variant in disease conclusively. Therefore, this variant is classified as a Variant of Uncertain Significance.

Baylor Genetics
Classification: Uncertain significance for Familial cancer of breast. Last evaluated: 2023-08-29. Review status: criteria provided, single submitter. Criteria: ACMG Guidelines, 2015. Collection method: clinical testing. Allele origin: unknown.

Sema4
Classification: Uncertain significance for Hereditary cancer-predisposing syndrome. Last evaluated: 2021-07-19. Review status: criteria provided, single submitter. Criteria: Sema4 Curation Guidelines. Collection method: curation. Allele origin: germline.
Comment: The BRCA2 c.8382C>G (p.F2794L) variant has been reported in one individual with breast cancer (PMID 32994724). This variant was not observed in the large and broad cohorts of the Genome Aggregation Database (PMID: 32461654). This variant has been reported in ClinVar (Variation ID 52570). The phenylalanine residue is highly conserved and there is a small physicochemical difference between phenylalanine and leucine. One study predicting variant's functional impact by computational analyses and another study using protein likelihood model predict the variant to be neutral (PMID: 29884841; 19043619). The overall evidence is insufficient to meet ACMG/AMP criteria for classifying it as benign or pathogenic. In summary, the clinical significance of this variant is currently uncertain.

Quest Diagnostics Nichols Institute San Juan Capistrano
Classification: Uncertain significance. Last evaluated: 2021-07-16. Review status: criteria provided, single submitter. Criteria: Quest Diagnostics criteria. Collection method: clinical testing. Allele origin: unknown.

Ambry Genetics
Classification: Likely benign for Hereditary cancer-predisposing syndrome. Last evaluated: 2020-01-23. Review status: criteria provided, single submitter. Criteria: Ambry Variant Classification Scheme 2023. Collection method: clinical testing. Allele origin: germline.

GeneDx
Classification: Uncertain significance. Last evaluated: 2017-04-07. Review status: criteria provided, single submitter. Criteria: GeneDx Variant Classification (06012015). Collection method: clinical testing. Allele origin: germline. Affected: yes.
Comment: This variant is denoted BRCA2 c.8382C>G at the cDNA level, p.Phe2794Leu (F2794L) at the protein level, and results in the change of a Phenylalanine to a Leucine (TTC>TTG). Using alternate nomenclature, this variant would be defined as BRCA2 8610C>G. Although this variant has not, to our knowledge, been published in the literature as pathogenic or benign, this residue has been predicted to be crucial to maintain proper protein folding (Biswas 2012). BRCA2 Phe2794Leu was not observed at a significant frequency in large population cohorts (NHLBI Exome Sequencing Project, The 1000 Genomes Consortium 2015, Lek 2016). Since Phenylalanine and Leucine share similar properties, this is considered a conservative amino acid substitution. BRCA2 Phe2794Leu occurs at a position that is conserved in mammals and is located in the DNA binding domain (Yang 2002). In silico analyses are inconsistent regarding the effect this variant may have on protein structure and function. Based on currently available evidence, it is unclear whether BRCA2 Phe2794Leu is a pathogenic or benign variant. We consider it to be a variant of uncertain significance.

Breast Cancer Information Core (BIC) (BRCA2)
Classification: Uncertain significance for Breast-ovarian cancer, familial 2. Last evaluated: 2004-02-20. Review status: no assertion criteria provided. Collection method: clinical testing. Allele origin: germline. Affected: yes. Observed: 2 variant alleles. Not counted in ClinVar's aggregate classification.

Department of Pathology and Laboratory Medicine, Sinai Health System
Classification: Uncertain significance. Review status: no assertion criteria provided. Collection method: clinical testing. Allele origin: unknown. Affected: yes. Study: The Canadian Open Genetics Repository (COGR). Not counted in ClinVar's aggregate classification.
Comment: The BRCA2 p.Phe2794Leu variant was not identified in probands in the literature but was identified in dbSNP (ID: rs80359084 ) â€šÃ„ÃºWith uncertain significance alleleâ€šÃ„Ã¹, LOVD, the ClinVar database (submitted by Ambry Genetics with a classification of uncertain significance) , the BIC database (2X as a variant with unknown clinical significance). The p.Phe2794Leu is conserved in mammals but not across lower organisms, and computational analyses (PolyPhen-2, SIFT, AlignGVGD, BLOSUM, MutationTaster) provide inconsistent predictions regarding the impact to the protein; this information is not very predictive of pathogenicity. One in silico study using a protein-likelihood model predicted the variant to be neutral (Karchin 2008). The variant occurs outside of the splicing consensus sequence and in silico or computational prediction software programs (SpliceSiteFinder, MaxEntScan, NNSPLICE, GeneSplicer, HumanSpliceFinder) do not predict a difference in splicing. In summary, based on the above information, the clinical significance of this variant cannot be determined with certainty at this time. This variant is classified as a variant of unknown significance.

Literature cited by the submitters: PubMed 25085752 (cited by Myriad Genetics, Inc.); PubMed 32994724 (cited by 5 submitters); PubMed 35402282 (cited by 3 submitters); PubMed 33609447 (cited by 3 submitters); PubMed 29884841 (cited by 6 submitters); PubMed 35736817 (cited by All of Us Research Program, National Institutes of Health and Color Diagnostics, LLC DBA Color Health); PubMed 19043619 (cited by Quest Diagnostics Nichols Institute San Juan Capistrano and Ambry Genetics).

NM_000059.4(BRCA2):c.8382C>G (p.Phe2794Leu)

Gene: BRCA2 (BRCA2 DNA repair associated; plus strand). Cytogenetic location: 13q13.1.
Variant type: single nucleotide variant.
Coding change: c.8382C>G on transcript NM_000059.4 (MANE Select); coding-DNA position 8382, C replaced by G.
Protein change: p.Phe2794Leu; replaces phenylalanine 2794 with leucine.
Molecular consequence: missense variant.
Genome position (GRCh38, 1-based): chr13:32,370,452, C>G. VCF-style: chr13-32370452-C-G. GRCh37 (hg19) VCF-style: chr13-32944589-C-G.
Other names: short protein forms F2794L.
Identifiers: ClinVar variation 52570 (VCV000052570.26), dbSNP rs80359084, ClinGen allele CA025617.